The following is an entry in ClinVar:

NM_014003.4(DHX38):c.1754C>A (p.Pro585His)

Gene: DHX38 (DEAH-box helicase 38; plus strand). Cytogenetic location: 16q22.2.
Variant type: single nucleotide variant.
Coding change: c.1754C>A on transcript NM_014003.4 (MANE Select); coding-DNA position 1754, C replaced by A.
Protein change: p.Pro585His; replaces proline 585 with histidine.
Molecular consequence: missense variant.
Genome position (GRCh38, 1-based): chr16:72,103,718, C>A. VCF-style: chr16-72103718-C-A. GRCh37 (hg19) VCF-style: chr16-72137617-C-A.
Other names: short protein forms P585H.
Identifiers: ClinVar variation 1473712 (VCV001473712.8), dbSNP rs755422982, ClinGen allele CA396708236.

ClinVar aggregate classification (germline): Uncertain significance (1 of 4 stars; one submission).

Submission:

Labcorp Genetics (formerly Invitae), Labcorp
Classification: Uncertain significance. Last evaluated: 2021-03-20. Review status: criteria provided, single submitter. Criteria: Invitae Variant Classification Sherloc (09022015). Collection method: clinical testing. Allele origin: germline.
Comment: In summary, the available evidence is currently insufficient to determine the role of this variant in disease. Therefore, it has been classified as a Variant of Uncertain Significance. Algorithms developed to predict the effect of missense changes on protein structure and function (SIFT, PolyPhen-2, Align-GVGD) all suggest that this variant is likely to be disruptive, but these predictions have not been confirmed by published functional studies and their clinical significance is uncertain. This variant has not been reported in the literature in individuals with DHX38-related conditions. This variant is not present in population databases (ExAC no frequency). This sequence change replaces proline with histidine at codon 585 of the DHX38 protein (p.Pro585His). The proline residue is highly conserved and there is a moderate physicochemical difference between proline and histidine.